The following is an entry in ClinVar:

ClinVar aggregate classification (germline): Uncertain significance (1 of 4 stars; one submission).

Conditions:
Immunodeficiency, common variable, 4. Also called: ANTIBODY DEFICIENCY DUE TO BAFFR DEFECT. Identifiers: Orphanet 1572, Orphanet 696925, MedGen C3150739, MONDO:0013284, OMIM 613494.

Allele frequency attached by ClinVar (database versions not stated): TOPMed 0.00001; gnomAD exomes 0.00001.

Submission:

Labcorp Genetics (formerly Invitae), Labcorp
Classification: Uncertain significance for Immunodeficiency, common variable, 4. Last evaluated: 2024-10-07. Review status: criteria provided, single submitter. Criteria: Invitae Variant Classification Sherloc (09022015). Collection method: clinical testing. Allele origin: germline.
Comment: This sequence change affects the initiator methionine of the TNFRSF13C mRNA. There is no other in-frame methionine. This variant is not present in population databases (gnomAD no frequency). This variant has not been reported in the literature in individuals affected with TNFRSF13C-related conditions. ClinVar contains an entry for this variant (Variation ID: 1519158). Experimental studies and prediction algorithms are not available or were not evaluated, and the functional significance of this variant is currently unknown. In summary, the available evidence is currently insufficient to determine the role of this variant in disease. Therefore, it has been classified as a Variant of Uncertain Significance.

NM_052945.4(TNFRSF13C):c.2T>A (p.Met1Lys)

Genes: TNFRSF13C (TNF receptor superfamily member 13C; minus strand), LOC130067574 (ATAC-STARR-seq lymphoblastoid silent region 13813; plus strand). Cytogenetic location: 22q13.2.
Variant type: single nucleotide variant.
Coding change: c.2T>A on transcript NM_052945.4 (MANE Select); coding-DNA position 2, T replaced by A.
Protein change: p.Met1Lys; changes the start codon (methionine 1).
Molecular consequence: missense variant, initiator codon variant.
Genome position (GRCh38, 1-based): chr22:41,926,772, A>T on the plus strand (T>A on the coding strand, the complement: TNFRSF13C is on the minus strand). VCF-style: chr22-41926772-A-T. GRCh37 (hg19) VCF-style: chr22-42322776-A-T.
Other names: short protein forms M1K.
Identifiers: ClinVar variation 1519158 (VCV001519158.8), dbSNP rs1299112321, ClinGen allele CA411763988.
Genomic context (GRCh38, chr22:41,926,772, plus strand): 5'-GGGACGCAGGGCGTGGGGGCTGGCGCGTCCCTGCCCCGCAGGCTCCGGGGCCCTCGCCTC[A>T]TGGTGCCGACGCCGCCGCACAAGCTGCGGGGACTGAGGCTGAGCTGGGCTCCGGGGCCCT-3'
Protein context (NP_443177.1, residues 1-11): [Met1Lys]RRGPRSLRGR